The following is an entry in ClinVar:

NM_000465.4(BARD1):c.383C>T (p.Pro128Leu)

Gene: BARD1 (BRCA1 associated RING domain 1; minus strand). Cytogenetic location: 2q35.
Variant type: single nucleotide variant.
Coding change: c.383C>T on transcript NM_000465.4 (MANE Select); coding-DNA position 383, C replaced by T.
Protein change: p.Pro128Leu; replaces proline 128 with leucine.
Molecular consequence: missense variant. On other transcripts: non-coding transcript variant (2), intron variant (3).
Genome position (GRCh38, 1-based): chr2:214,781,491, G>A on the plus strand (C>T on the coding strand, the complement: BARD1 is on the minus strand). VCF-style: chr2-214781491-G-A. GRCh37 (hg19) VCF-style: chr2-215646215-G-A.
Other names: c.326C>T, p.Pro109Leu (NM_001282543.2); c.158+27921C>T (NM_001282548.2); c.215+15570C>T (NM_001282545.2); c.364+10806C>T (NM_001282549.2); short protein forms P109L, P128L.
Identifiers: ClinVar variation 824287 (VCV000824287.8), dbSNP rs1574821763, ClinGen allele CA350458236.

ClinVar aggregate classification (germline): Uncertain significance. Review status: criteria provided, multiple submitters, no conflicts (2 of 4 stars). 2 submissions from 2 submitters: Uncertain significance (2). Last evaluated 2025-06-07.

Conditions:
Hereditary cancer-predisposing syndrome. Also called: Neoplastic Syndromes, Hereditary; Tumor predisposition; Hereditary neoplastic syndrome; Hereditary Cancer Syndrome. Identifiers: Orphanet 140162, MedGen C0027672, MeSH D009386, MONDO:0015356.

Submissions (2):

Ambry Genetics
Classification: Uncertain significance for Hereditary cancer-predisposing syndrome. Last evaluated: 2025-06-07. Review status: criteria provided, single submitter. Criteria: Ambry Variant Classification Scheme 2023. Collection method: clinical testing. Allele origin: germline.
Comment: The p.P128L variant (also known as c.383C>T), located in coding exon 4 of the BARD1 gene, results from a C to T substitution at nucleotide position 383. The proline at codon 128 is replaced by leucine, an amino acid with similar properties. This amino acid position is poorly conserved in available vertebrate species. In addition, this alteration is predicted to be tolerated by in silico analysis. Since supporting evidence is limited at this time, the clinical significance of this alteration remains unclear.

Color Diagnostics, LLC DBA Color Health
Classification: Uncertain significance for Hereditary cancer-predisposing syndrome. Last evaluated: 2019-09-25. Review status: criteria provided, single submitter. Criteria: ACMG Guidelines, 2015. Collection method: clinical testing. Allele origin: germline.
Comment: This missense variant replaces proline with leucine at codon 128 of the BARD1 protein. Computational prediction tool suggests that this variant may not impact protein structure and function (internally defined REVEL score threshold ≤0.5, PMID: 27666373). Splice site prediction tools suggest that this variant may not impact RNA splicing. To our knowledge, functional studies have not been performed for this variant. This variant has not been reported in individuals affected with hereditary cancer in the literature. This variant has not been identified in the general population by the Genome Aggregation Database (gnomAD). The available evidence is insufficient to determine the role of this variant in disease conclusively. Therefore, this variant is classified as a Variant of Uncertain Significance.